The following is an entry in ClinVar:

ClinVar aggregate classification (germline): Uncertain significance (1 of 4 stars; one submission).

Conditions:
FAT1-related disorder. Also called: FAT1-related condition.

gnomAD v4.1: 4 of 1,613,878 alleles (0.00025%); highest among the groups gnomAD compares: Admixed American, 0.0067%; no homozygotes.

Submission:

PreventionGenetics, part of Exact Sciences
Classification: Uncertain significance for FAT1-related condition. Last evaluated: 2025-11-24. Review status: criteria provided, single submitter. Criteria: ACMG Guidelines, 2015. Collection method: clinical testing. Allele origin: germline.
Comment: The FAT1 c.8576C>G variant is predicted to result in the amino acid substitution p.Ser2859Cys. To our knowledge, this variant has not been reported in the literature. This variant is reported in 0.0058% of alleles in individuals of Latino descent in gnomAD. At this time, the clinical significance of this variant is uncertain due to the absence of conclusive functional and genetic evidence.

NM_005245.4(FAT1):c.8576C>G (p.Ser2859Cys)

Genes: FAT1 (FAT atypical cadherin 1; minus strand), LOC126807255 (BRD4-independent group 4 enhancer GRCh37_chr4:187538202-187539401; plus strand). Cytogenetic location: 4q35.2.
Variant type: single nucleotide variant.
Coding change: c.8576C>G on transcript NM_005245.4 (MANE Select); coding-DNA position 8576, C replaced by G.
Protein change: p.Ser2859Cys; replaces serine 2859 with cysteine.
Molecular consequence: missense variant.
Genome position (GRCh38, 1-based): chr4:186,618,010, G>C on the plus strand (C>G on the coding strand, the complement: FAT1 is on the minus strand). VCF-style: chr4-186618010-G-C. GRCh37 (hg19) VCF-style: chr4-187539164-G-C.
Other names: c.8576C>G, p.Ser2859Cys (NM_001440455.1, NM_001440456.1, NM_001440457.1); short protein forms S2859C.
Identifiers: ClinVar variation 4987129 (VCV004987129.1).